The following is an entry in ClinVar:

NM_006087.4(TUBB4A):c.167-1G>A

Gene: TUBB4A (tubulin beta 4A class IVa; minus strand). Cytogenetic location: 19p13.3.
Variant type: single nucleotide variant.
Coding change: c.167-1G>A on transcript NM_006087.4 (MANE Select); the canonical splice acceptor site of the intron before coding-DNA position 167, G replaced by A.
Molecular consequence: splice acceptor variant.
Genome position (GRCh38, 1-based): chr19:6,501,398, C>T on the plus strand (G>A on the coding strand, the complement: TUBB4A is on the minus strand). VCF-style: chr19-6501398-C-T. GRCh37 (hg19) VCF-style: chr19-6501409-C-T.
Other names: c.167-1G>A (NM_001289129.2); c.302-1G>A (NM_001289127.2); c.320-1G>A (NM_001289123.2); c.-50-1G>A (NM_001289131.2, NM_001289130.2).
Identifiers: ClinVar variation 4730027 (VCV004730027.1).

ClinVar aggregate classification (germline): Uncertain significance (1 of 4 stars; one submission).

Conditions:
Leukodystrophy, hypomyelinating, 6. Also called: LEUKODYSTROPHY, HYPOMYELINATING, WITH ATROPHY OF THE BASAL GANGLIA AND CEREBELLUM; Hypomyelination with Atrophy of Basal Ganglia and Cerebellum (H-ABC); TUBB4A-Associated Leukodystrophy. Identifiers: Orphanet 139441, MedGen C2676244, MONDO:0012905, OMIM 612438.

Submission:

Labcorp Genetics (formerly Invitae), Labcorp
Classification: Uncertain significance for Leukodystrophy, hypomyelinating, 6. Last evaluated: 2025-11-06. Review status: criteria provided, single submitter. Criteria: Invitae Variant Classification Sherloc (09022015). Collection method: clinical testing. Allele origin: germline.
Comment: This sequence change affects an acceptor splice site in intron 2 of the TUBB4A gene. It is expected to disrupt RNA splicing. Variants that disrupt the donor or acceptor splice site typically lead to a loss of protein function (PMID: 16199547), however the current clinical and genetic evidence is not sufficient to establish whether loss-of-function variants in TUBB4A cause disease. This variant is not present in population databases (gnomAD no frequency). This variant has not been reported in the literature in individuals affected with TUBB4A-related conditions. Algorithms developed to predict the effect of sequence changes on RNA splicing suggest that this variant may disrupt the consensus splice site. In summary, the available evidence is currently insufficient to determine the role of this variant in disease. Therefore, it has been classified as a Variant of Uncertain Significance.

Literature cited by the submitters: PubMed 16199547.